The following is an entry in ClinVar:

ClinVar aggregate classification (germline): Uncertain significance (1 of 4 stars; one submission).

Conditions:
Inborn genetic diseases. Identifiers: MedGen C0950123, MeSH D030342.

Submission:

Ambry Genetics
Classification: Uncertain significance for Inborn genetic diseases. Last evaluated: 2026-05-21. Review status: criteria provided, single submitter. Criteria: Ambry Variant Classification Scheme 2023. Collection method: clinical testing. Allele origin: germline.
Comment: The c.1206G>A (p.Q402Q) alteration is located in exon 7 (coding exon 6) of the SATB1 gene. This alteration consists of a G to A substitution at nucleotide position 1206. This nucleotide substitution does not change the amino acid at codon 402. However, this change occurs in the last base pair of exon 7 (coding exon6), which makes it likely to have some effect on normal mRNA splicing. This variant was not reported in population-based cohorts in the Genome Aggregation Database (gnomAD). Another variant c.1205A>G (p.Q402R), predicted to have a similar splicing effect on the same donor site, has been reported in individual(s) with features consistent with SATB1-related neurodevelopmental disorder (den Hoed, 2021). This nucleotide position is highly conserved in available vertebrate species. In silico splice site analysis predicts that this alteration will weaken the native splice donor site. Based on insufficient or conflicting evidence, the clinical significance of this alteration remains unclear.

Literature cited by the submitters: PubMed 33513338.

NM_002971.6(SATB1):c.1206G>A (p.Gln402=)

Gene: SATB1 (SATB homeobox 1; minus strand). Cytogenetic location: 3p24.3.
Variant type: single nucleotide variant.
Coding change: c.1206G>A on transcript NM_002971.6 (MANE Select); coding-DNA position 1206, G replaced by A.
Protein change: p.Gln402=; no amino-acid change (glutamine 402 retained).
Molecular consequence: synonymous variant.
Genome position (GRCh38, 1-based): chr3:18,394,462, C>T on the plus strand (G>A on the coding strand, the complement: SATB1 is on the minus strand). VCF-style: chr3-18394462-C-T. GRCh37 (hg19) VCF-style: chr3-18435954-C-T.
Other names: c.1206G>A, p.Gln402= (NM_001131010.4, NM_001195470.3, NM_001322871.2 and 4 more transcripts); c.990G>A, p.Gln330= (NM_001322876.2).
Identifiers: ClinVar variation 4864044 (VCV004864044.1).